The following is an entry in ClinVar:

NM_003900.5(SQSTM1):c.106G>T (p.Glu36Ter)

Gene: SQSTM1 (sequestosome 1; plus strand). Cytogenetic location: 5q35.3.
Variant type: single nucleotide variant.
Coding change: c.106G>T on transcript NM_003900.5 (MANE Select); coding-DNA position 106, G replaced by T.
Protein change: p.Glu36Ter; replaces glutamic acid 36 with a stop codon.
Molecular consequence: nonsense. On other transcripts: intron variant (2).
Genome position (GRCh38, 1-based): chr5:179,821,042, G>T. VCF-style: chr5-179821042-G-T. GRCh37 (hg19) VCF-style: chr5-179248042-G-T.
Other names: c.-47-1916G>T (NM_001142298.2, NM_001142299.2); short protein forms E36*.
Identifiers: ClinVar variation 4292363 (VCV004292363.1).

ClinVar aggregate classification (germline): Pathogenic (1 of 4 stars; one submission).

Conditions:
Neurodegeneration with ataxia, dystonia, and gaze palsy, childhood-onset (NADGP). Identifiers: MedGen C4310693, MONDO:0014940, OMIM 617145.

Submission:

3billion
Classification: Pathogenic for Neurodegeneration with ataxia, dystonia, and gaze palsy, childhood-onset. Last evaluated: 2024-06-14. Review status: criteria provided, single submitter. Criteria: ACMG Guidelines, 2015. Collection method: clinical testing. Allele origin: germline. Affected: yes.
Comment: The variant is not observed in the gnomAD v4.0.0 dataset. Predicted Consequence/Location: Stop-gained (nonsense): predicted to result in a loss or disruption of normal protein function through nonsense-mediated decay (NMD) or protein truncation. Multiple pathogenic variants are reported downstream of the variant. Therefore, this variant is classified as Pathogenic according to the recommendation of ACMG/AMP guideline.